The following is an entry in ClinVar:

NM_001371904.1(APOA5):c.698G>A (p.Arg233Gln)

Gene: APOA5 (apolipoprotein A5; minus strand). Cytogenetic location: 11q23.3.
Variant type: single nucleotide variant.
Coding change: c.698G>A on transcript NM_001371904.1 (MANE Select); coding-DNA position 698, G replaced by A.
Protein change: p.Arg233Gln; replaces arginine 233 with glutamine.
Molecular consequence: missense variant.
Genome position (GRCh38, 1-based): chr11:116,790,531, C>T on the plus strand (G>A on the coding strand, the complement: APOA5 is on the minus strand). VCF-style: chr11-116790531-C-T. GRCh37 (hg19) VCF-style: chr11-116661247-C-T.
Other names: c.698G>A (NM_052968.4); c.698G>A, p.Arg233Gln (NM_001166598.2, NM_052968.5); short protein forms R233Q.
Identifiers: ClinVar variation 2964344 (VCV002964344.4), dbSNP rs563462071, ClinGen allele CA6289017.
Genomic context (GRCh38, chr11:116,790,531, plus strand): 5'-AGCTGGTCCAGGTTCTGCTGGATGCGTGCGTGCAGGGCCTTGGCCTTGAGCGTGAGCTTC[C>T]GGGAGAGCACCTGCACGCAGCGACTGAGGCGCGCGGGGCTGGCGGGGGCGTGCGGAGCCA-3'
Protein context (NP_001358833.1, residues 223-243): RLSRCVQVLS[Arg233Gln]KLTLKAKALH

ClinVar aggregate classification (germline): Uncertain significance. Review status: criteria provided, multiple submitters, no conflicts (2 of 4 stars). 2 submissions from 2 submitters: Uncertain significance (2). Last evaluated 2024-08-10.

Conditions:
Cardiovascular phenotype. Identifiers: MedGen CN230736.

Allele frequency attached by ClinVar (database versions not stated): gnomAD 0.00001; TOPMed 0.00001; ExAC 0.00005; 1000 Genomes Project 0.00020; 1000 Genomes Project 30x 0.00031.
gnomAD v4.1: 35 of 1,598,674 alleles (0.0022%); highest among the groups gnomAD compares: South Asian, 0.035%; no homozygotes.

Submissions (2):

Ambry Genetics
Classification: Uncertain significance for Cardiovascular phenotype. Last evaluated: 2024-08-10. Review status: criteria provided, single submitter. Criteria: Ambry Variant Classification Scheme 2023. Collection method: clinical testing. Allele origin: germline.

Labcorp Genetics (formerly Invitae), Labcorp
Classification: Uncertain significance. Last evaluated: 2023-01-27. Review status: criteria provided, single submitter. Criteria: Invitae Variant Classification Sherloc (09022015). Collection method: clinical testing. Allele origin: germline.
Comment: This variant has not been reported in the literature in individuals affected with APOA5-related conditions. In summary, the available evidence is currently insufficient to determine the role of this variant in disease. Therefore, it has been classified as a Variant of Uncertain Significance. Algorithms developed to predict the effect of missense changes on protein structure and function output the following: SIFT: "Tolerated"; PolyPhen-2: "Benign"; Align-GVGD: "Class C0". The glutamine amino acid residue is found in multiple mammalian species, which suggests that this missense change does not adversely affect protein function. This variant is present in population databases (rs563462071, gnomAD 0.05%). This sequence change replaces arginine, which is basic and polar, with glutamine, which is neutral and polar, at codon 233 of the APOA5 protein (p.Arg233Gln).